The following is an entry in ClinVar:

NM_182914.3(SYNE2):c.17264G>A (p.Arg5755Gln)

Gene: SYNE2 (spectrin repeat containing nuclear envelope protein 2; plus strand). Cytogenetic location: 14q23.2.
Variant type: single nucleotide variant.
Coding change: c.17264G>A on transcript NM_182914.3 (MANE Select); coding-DNA position 17264, G replaced by A.
Protein change: p.Arg5755Gln; replaces arginine 5755 with glutamine.
Molecular consequence: missense variant.
Genome position (GRCh38, 1-based): chr14:64,174,972, G>A. VCF-style: chr14-64174972-G-A. GRCh37 (hg19) VCF-style: chr14-64641690-G-A.
Other names: c.17264G>A, p.Arg5755Gln (NM_015180.6); short protein forms R5755Q.
Identifiers: ClinVar variation 641974 (VCV000641974.9), dbSNP rs368893421, ClinGen allele CA7223663.
Genomic context (GRCh38, chr14:64,174,972, plus strand): 5'-CCTAAGCAAATTACTTCTCTTTTTTTTCTTAGAATAAAGAAATTCATTTTCAAAGGAGGC[G>A]AACTACCTGTGCCCTAACCTTGGAAGCTGGAGAAAAGTTACTGCTCACAACTGACCTGAA-3'
Protein context (NP_878918.2, residues 5745-5765): KNKEIHFQRR[Arg5755Gln]TTCALTLEAG

ClinVar aggregate classification (germline): Conflicting classifications of pathogenicity. Review status: criteria provided, conflicting classifications (1 of 4 stars). 2 submissions from 2 submitters: Uncertain significance (1); Likely benign (1). Last evaluated 2025-01-23.

Conditions:
Emery-Dreifuss muscular dystrophy 5, autosomal dominant (EDMD5). Also called: EMERY-DREIFUSS MUSCULAR DYSTROPHY 5. Identifiers: Orphanet 261, MedGen C2751805, MONDO:0013072, OMIM 612999.

Allele frequency attached by ClinVar (database versions not stated): gnomAD 0.00001; gnomAD exomes 0.00002; ESP Exome Variant Server 0.00008; ExAC 0.00001.
gnomAD v4.1: 36 of 1,613,792 alleles (0.0022%); highest among the groups gnomAD compares: African/African-American, 0.0027%; no homozygotes.

Submissions (2):

Labcorp Genetics (formerly Invitae), Labcorp
Classification: Uncertain significance for Emery-Dreifuss muscular dystrophy 5, autosomal dominant. Last evaluated: 2025-01-23. Review status: criteria provided, single submitter. Criteria: Invitae Variant Classification Sherloc (09022015). Collection method: clinical testing. Allele origin: germline.
Comment: This sequence change replaces arginine, which is basic and polar, with glutamine, which is neutral and polar, at codon 5755 of the SYNE2 protein (p.Arg5755Gln). This variant is present in population databases (rs368893421, gnomAD 0.007%). This variant has not been reported in the literature in individuals affected with SYNE2-related conditions. ClinVar contains an entry for this variant (Variation ID: 641974). An algorithm developed to predict the effect of missense changes on protein structure and function outputs the following: PolyPhen-2: "Benign". The glutamine amino acid residue is found in multiple mammalian species, which suggests that this missense change does not adversely affect protein function. In summary, the available evidence is currently insufficient to determine the role of this variant in disease. Therefore, it has been classified as a Variant of Uncertain Significance.

Blueprint Genetics
Classification: Likely benign. Last evaluated: 2023-05-10. Review status: criteria provided, single submitter. Criteria: ACMG Guidelines, 2015. Collection method: clinical testing. Allele origin: germline.